The following is an entry in ClinVar:

NM_006031.6(PCNT):c.9695G>A (p.Arg3232His)

Gene: PCNT (pericentrin; plus strand). Cytogenetic location: 21q22.3.
Variant type: single nucleotide variant.
Coding change: c.9695G>A on transcript NM_006031.6 (MANE Select); coding-DNA position 9695, G replaced by A.
Protein change: p.Arg3232His; replaces arginine 3232 with histidine.
Molecular consequence: missense variant.
Genome position (GRCh38, 1-based): chr21:46,442,568, G>A. VCF-style: chr21-46442568-G-A. GRCh37 (hg19) VCF-style: chr21-47862481-G-A.
Other names: c.9104G>A, p.Arg3035His (NM_001315529.2); short protein forms R3035H, R3232H.
Identifiers: ClinVar variation 3353441 (VCV003353441.1).

ClinVar aggregate classification (germline): Uncertain significance (0 of 4 stars; one submission).

Conditions:
PCNT-related disorder. Also called: PCNT-related condition.

gnomAD v4.1: 20 of 1,599,742 alleles (0.0013%); highest among the groups gnomAD compares: Admixed American, 0.0033%; no homozygotes.

Submission:

PreventionGenetics, part of Exact Sciences
Classification: Uncertain significance for PCNT-related condition. Last evaluated: 2024-04-05. Review status: no assertion criteria provided. Collection method: clinical testing. Allele origin: germline.
Comment: The PCNT c.9695G>A variant is predicted to result in the amino acid substitution p.Arg3232His. To our knowledge, this variant has not been reported in the literature. This variant is reported in 0.0062% of alleles in individuals of African descent in gnomAD. At this time, the clinical significance of this variant is uncertain due to the absence of conclusive functional and genetic evidence.